The following is an entry in ClinVar:

ClinVar aggregate classification (germline): Uncertain significance. Review status: criteria provided, multiple submitters, no conflicts (2 of 4 stars). 2 submissions from 2 submitters: Uncertain significance (2). Last evaluated 2025-06-10.

Conditions:
Hyper-IgM syndrome type 5 (HIGM5). Also called: Hyper-IgM Immunodeficiency Syndrome, Type 5. Identifiers: Orphanet 101092, MedGen C1720958, MONDO:0011971, OMIM 608106.

Allele frequency attached by ClinVar (database versions not stated): gnomAD 0.00001; TOPMed 0.00001; gnomAD exomes 0.00003; ExAC 0.00004.
gnomAD v4.1: 31 of 1,613,814 alleles (0.0019%); highest among the groups gnomAD compares: South Asian, 0.0066%; 1 homozygote.

Submissions (2):

Ambry Genetics
Classification: Uncertain significance. Last evaluated: 2025-06-10. Review status: criteria provided, single submitter. Criteria: Ambry Variant Classification Scheme 2023. Collection method: clinical testing. Allele origin: germline.

Labcorp Genetics (formerly Invitae), Labcorp
Classification: Uncertain significance for Hyper-IgM syndrome type 5. Last evaluated: 2022-07-11. Review status: criteria provided, single submitter. Criteria: Invitae Variant Classification Sherloc (09022015). Collection method: clinical testing. Allele origin: germline.
Comment: This sequence change replaces threonine, which is neutral and polar, with methionine, which is neutral and non-polar, at codon 275 of the UNG protein (p.Thr275Met). This variant is present in population databases (rs761656626, gnomAD 0.02%). This variant has not been reported in the literature in individuals affected with UNG-related conditions. ClinVar contains an entry for this variant (Variation ID: 963345). Algorithms developed to predict the effect of missense changes on protein structure and function are either unavailable or do not agree on the potential impact of this missense change (SIFT: "Deleterious"; PolyPhen-2: "Probably Damaging"; Align-GVGD: "Class C0"). In summary, the available evidence is currently insufficient to determine the role of this variant in disease. Therefore, it has been classified as a Variant of Uncertain Significance.

NM_080911.3(UNG):c.824C>T (p.Thr275Met)

Gene: UNG (uracil DNA glycosylase; plus strand). Cytogenetic location: 12q24.11.
Variant type: single nucleotide variant.
Coding change: c.824C>T on transcript NM_080911.3 (MANE Select); coding-DNA position 824, C replaced by T.
Protein change: p.Thr275Met; replaces threonine 275 with methionine.
Molecular consequence: missense variant.
Genome position (GRCh38, 1-based): chr12:109,109,851, C>T. VCF-style: chr12-109109851-C-T. GRCh37 (hg19) VCF-style: chr12-109547656-C-T.
Other names: c.797C>T, p.Thr266Met (NM_003362.4); short protein forms T266M, T275M.
Identifiers: ClinVar variation 963345 (VCV000963345.8), dbSNP rs761656626, ClinGen allele CA6772806.
Genomic context (GRCh38, chr12:109,109,851, plus strand): 5'-TCCCAAATCTGCCACCATTTATTCTTGATCTTTTTCAGAAGCGGCACCATGTACTACAGA[C>T]GGCTCATCCCTCCCCTTTGTCAGTGTATAGAGGGTTCTTTGGATGTAGACACTTTTCAAA-3'
Protein context (NP_550433.1, residues 265-285): IDRKRHHVLQ[Thr275Met]AHPSPLSVYR